The following is an entry in ClinVar:

NM_003803.4(MYOM1):c.643_660del (p.209TASRQS[1])

Gene: MYOM1 (myomesin 1; minus strand). Cytogenetic location: 18p11.31.
Variant type: Deletion.
Coding change: c.643_660del on transcript NM_003803.4 (MANE Select); coding-DNA positions 643 to 660, 18 bases deleted (ACGGCATCCAGGCAGTCT).
Protein change: p.209TASRQS[1].
Molecular consequence: inframe deletion.
Genome position (GRCh38, 1-based): chr18:3,188,859-3,188,876, AGACTGCCTGGATGCCGT deleted on the plus strand (ACGGCATCCAGGCAGTCT on the coding strand, the reverse complement: MYOM1 is on the minus strand). VCF-style (leftmost placement, unchanged base first): chr18-3188858-CAGACTGCCTGGATGCCGT-C. GRCh37 (hg19) VCF-style: chr18-3188856-CAGACTGCCTGGATGCCGT-C.
Other names: c.643_660del, p.209TASRQS[1] (NM_019856.2).
Identifiers: ClinVar variation 958986 (VCV000958986.9), dbSNP rs2080862040, ClinGen allele CA502809998.

ClinVar aggregate classification (germline): Uncertain significance (1 of 4 stars; one submission).

Conditions:
Hypertrophic cardiomyopathy. Also called: HYPERTROPHIC MYOCARDIOPATHY. Identifiers: Orphanet 217569, MedGen C0007194, MeSH D002312, MONDO:0005045, HP:0001639.

Allele frequency attached by ClinVar (database versions not stated): gnomAD exomes below 0.00001.

Submission:

Labcorp Genetics (formerly Invitae), Labcorp
Classification: Uncertain significance for Hypertrophic cardiomyopathy. Last evaluated: 2019-09-19. Review status: criteria provided, single submitter. Criteria: Invitae Variant Classification Sherloc (09022015). Collection method: clinical testing. Allele origin: germline.
Comment: Experimental studies and prediction algorithms are not available or were not evaluated for this variant, and the functional significance of this variant is currently unknown. In summary, the available evidence is currently insufficient to determine the role of this variant in disease. Therefore, it has been classified as a Variant of Uncertain Significance. This variant has not been reported in the literature in individuals with MYOM1-related conditions. This variant is not present in population databases (ExAC no frequency). This variant, c.643_660del, results in the deletion of 6 amino acid(s) of the MYOM1 protein (p.Thr215_Ser220del), but otherwise preserves the integrity of the reading frame.